The following is an entry in ClinVar:

NM_000214.3(JAG1):c.639C>G (p.Asp213Glu)

Gene: JAG1 (jagged canonical Notch ligand 1; minus strand). Cytogenetic location: 20p12.2.
Variant type: single nucleotide variant.
Coding change: c.639C>G on transcript NM_000214.3 (MANE Select); coding-DNA position 639, C replaced by G.
Protein change: p.Asp213Glu; replaces aspartic acid 213 with glutamic acid.
Molecular consequence: missense variant.
Genome position (GRCh38, 1-based): chr20:10,658,523, G>C on the plus strand (C>G on the coding strand, the complement: JAG1 is on the minus strand). VCF-style: chr20-10658523-G-C. GRCh37 (hg19) VCF-style: chr20-10639171-G-C.
Other names: short protein forms D213E.
Identifiers: ClinVar variation 3573076 (VCV003573076.2).
Genomic context (GRCh38, chr20:10,658,523, plus strand): 5'-CATACCTCTGTTACATTCGGGGCCCATCCAGCCTTCCATGCAAGTTTTGTTGCCATTCTG[G>C]TCACAGGCATAGTGTCCAAAGAAGTCATCTCTGGGGCGGCAGAACTTATTGCAGCCAAAG-3'
Protein context (NP_000205.1, residues 203-223): RDDFFGHYAC[Asp213Glu]QNGNKTCMEG

Conditions:
Arteriohepatic dysplasia. Also called: Alagille Syndrome. Identifiers: Orphanet 52, MedGen C0085280, MeSH D016738, MONDO:0007318.

Submission:

Gilbert/Spinner Lab, Children's Hospital of Philadelphia
No classification provided (evidence only). Condition: Alagille syndrome. Review status: no classification provided. Collection method: research. Allele origin: not applicable. Functional consequence: functionally_abnormal.
ClinVar note: "not provided" was previously submitted as the classification for the variant. However, the classification appeared to be based only on an observation of functional data so it was converted to no classification on 2025-07-30.